The following is an entry in ClinVar:

NM_025114.4(CEP290):c.3157del (p.Val1053fs)

Gene: CEP290 (centrosomal protein 290; minus strand). Cytogenetic location: 12q21.32.
Variant type: Deletion.
Coding change: c.3157del on transcript NM_025114.4 (MANE Select); coding-DNA position 3157, one base deleted (G; older notation c.3157delG).
Protein change: p.Val1053fs; shifts the reading frame from valine 1053.
Molecular consequence: frameshift variant.
Genome position (GRCh38, 1-based): chr12:88,093,922, C deleted on the plus strand (G on the coding strand, the reverse complement: CEP290 is on the minus strand). VCF-style (leftmost placement, unchanged base first): chr12-88093921-AC-A. GRCh37 (hg19) VCF-style: chr12-88487698-AC-A.
Other names: c.3157delG (NM_025114.4); short protein forms V1053fs.
Identifiers: ClinVar variation 4853620 (VCV004853620.1).
Genomic context (GRCh38, chr12:88,093,921, plus strand): 5'-GCCCGCTGCCTTTCATTTAATTCCTTCATTTCCAGCATAGTTATTTTTTTTGAAATGGAA[AC>A]AATGTCACTGTTGGTTATTGATTTCTTTGCCTTATCCATGCTAGATTCATTACCTACATG-3'

ClinVar aggregate classification (germline): Pathogenic (1 of 4 stars; one submission).

Conditions:
Meckel syndrome, type 4 (MKS4). Also called: MECKEL-GRUBER SYNDROME, TYPE 4. Identifiers: Orphanet 564, MedGen C1970161, MONDO:0012626, OMIM 611134.

Submission:

Women's Health and Genetics/Laboratory Corporation of America, LabCorp
Classification: Pathogenic for Meckel syndrome, type 4. Last evaluated: 2026-05-01. Review status: criteria provided, single submitter. Criteria: LabCorp Variant Classification Summary - May 2015. Collection method: clinical testing. Allele origin: germline.
Comment: Variant summary: CEP290 c.3157delG (p.Val1053PhefsX7) results in a premature termination codon, predicted to cause a truncation of the encoded protein or absence of the protein due to nonsense mediated decay, which are commonly known mechanisms for disease. The variant was absent in 247896 control chromosomes. To our knowledge, no occurrence of c.3157delG in individuals affected with CEP290-related conditions and no experimental evidence demonstrating its impact on protein function have been reported. No submitters have cited clinical-significance assessments for this variant to ClinVar. Based on the evidence outlined above, the variant was classified as pathogenic.